The following is an entry in ClinVar:

NM_000492.4(CFTR):c.2560A>G (p.Thr854Ala)

Gene: CFTR (CF transmembrane conductance regulator; plus strand). Cytogenetic location: 7q31.2.
Variant type: single nucleotide variant.
Coding change: c.2560A>G on transcript NM_000492.4 (MANE Select); coding-DNA position 2560, A replaced by G.
Protein change: p.Thr854Ala; replaces threonine 854 with alanine.
Molecular consequence: missense variant.
Genome position (GRCh38, 1-based): chr7:117,594,999, A>G. VCF-style: chr7-117594999-A-G. GRCh37 (hg19) VCF-style: chr7-117235053-A-G.
Other names: short protein forms T854A.
Identifiers: ClinVar variation 3896455 (VCV003896455.3).

ClinVar aggregate classification (germline): Uncertain significance. Review status: criteria provided, multiple submitters, no conflicts (2 of 4 stars). 2 submissions from 2 submitters: Uncertain significance (2). Last evaluated 2025-04-07.

Submissions (2):

Women's Health and Genetics/Laboratory Corporation of America, LabCorp
Classification: Uncertain significance. Last evaluated: 2025-04-07. Review status: criteria provided, single submitter. Criteria: LabCorp Variant Classification Summary - May 2015. Collection method: clinical testing. Allele origin: germline.
Comment: Variant summary: CFTR c.2560A>G (p.Thr854Ala) results in a non-conservative amino acid change in the encoded protein sequence. Three of four in-silico tools predict a damaging effect of the variant on protein function. The variant was absent in 251308 control chromosomes. The available data on variant occurrences in the general population are insufficient to allow any conclusion about variant significance. c.2560A>G has been reported in the literature in individuals affected with Cystic Fibrosis, a positive newborn screening result, or intermediate sweat chloride value (Goubau_2009, De Wachter_2017, Buyuksahin_2022) . These report(s) do not provide unequivocal conclusions about association of the variant with Cystic Fibrosis. To our knowledge, no experimental evidence demonstrating an impact on protein function has been reported. The following publications have been ascertained in the context of this evaluation (PMID: 34842364, 28830496, 19318346). No submitters have cited clinical-significance assessments for this variant to ClinVar. Based on the evidence outlined above, the variant was classified as uncertain significance.

Blueprint Genetics
Classification: Uncertain significance. Last evaluated: 2024-05-03. Review status: criteria provided, single submitter. Criteria: ACMG Guidelines, 2015. Collection method: clinical testing. Allele origin: germline.

Literature cited by the submitters: PubMed 19318346 (cited by Women's Health and Genetics/Laboratory Corporation of America, LabCorp); PubMed 28830496 (cited by Women's Health and Genetics/Laboratory Corporation of America, LabCorp); PubMed 34842364 (cited by Women's Health and Genetics/Laboratory Corporation of America, LabCorp).